The following is an entry in ClinVar:

NM_000390.4(CHM):c.340G>T (p.Glu114Ter)

Genes: CHM (CHM Rab escort protein; minus strand), LOC129391306 (MPRA-validated peak7401 silencer; plus strand). Cytogenetic location: Xq21.2.
Variant type: single nucleotide variant.
Coding change: c.340G>T on transcript NM_000390.4 (MANE Select); coding-DNA position 340, G replaced by T.
Protein change: p.Glu114Ter; replaces glutamic acid 114 with a stop codon.
Molecular consequence: nonsense. On other transcripts: 5 prime UTR variant (4).
Genome position (GRCh38, 1-based): chrX:85,964,027, C>A on the plus strand (G>T on the coding strand, the complement: CHM is on the minus strand). VCF-style: chrX-85964027-C-A. GRCh37 (hg19) VCF-style: chrX-85219032-C-A.
Other names: c.-105G>T (NM_001320959.1, NM_001362517.1, NM_001362518.2 and 1 more transcripts); short protein forms E114*.
Identifiers: ClinVar variation 4737673 (VCV004737673.1).

ClinVar aggregate classification (germline): Pathogenic (1 of 4 stars; one submission).

Submission:

Labcorp Genetics (formerly Invitae), Labcorp
Classification: Pathogenic. Last evaluated: 2025-06-17. Review status: criteria provided, single submitter. Criteria: Invitae Variant Classification Sherloc (09022015). Collection method: clinical testing. Allele origin: germline.
Comment: This sequence change creates a premature translational stop signal (p.Glu114*) in the CHM gene. It is expected to result in an absent or disrupted protein product. Loss-of-function variants in CHM are known to be pathogenic (PMID: 9067750, 23811034). This variant is not present in population databases (gnomAD no frequency). This premature translational stop signal has been observed in individual(s) with retinitis pigmentosa (PMID: 29847639). For these reasons, this variant has been classified as Pathogenic.

Literature cited by the submitters: PubMed 9067750; PubMed 23811034; PubMed 29847639.